The following is an entry in ClinVar:

NM_001267550.2(TTN):c.39089C>A (p.Ala13030Glu)

Gene: TTN (titin; minus strand). Cytogenetic location: 2q31.2.
Variant type: single nucleotide variant.
Coding change: c.39089C>A on transcript NM_001267550.2 (MANE Select); coding-DNA position 39089, C replaced by A.
Protein change: p.Ala13030Glu; replaces alanine 13030 with glutamic acid.
Molecular consequence: missense variant. On other transcripts: intron variant (3).
Genome position (GRCh38, 1-based): chr2:178,652,496, G>T on the plus strand (C>A on the coding strand, the complement: TTN is on the minus strand). VCF-style: chr2-178652496-G-T. GRCh37 (hg19) VCF-style: chr2-179517223-G-T.
Other names: c.34568C>A, p.Ala11523Glu (NM_001256850.1); c.31787C>A, p.Ala10596Glu (NM_133378.4); c.13283-10179C>A (NM_003319.4); c.13859-10179C>A (NM_133437.4); c.13658-10179C>A (NM_133432.3); short protein forms A10596E, A11523E, A13030E.
Identifiers: ClinVar variation 810969 (VCV000810969.8), dbSNP rs747459623, ClinGen allele CA349462117.
Genomic context (GRCh38, chr2:178,652,496, plus strand): 5'-GCCTAAAATCAGTGACAAATACCTTTAACAGGTGTGACTTCAGGCTTTTTAGGAGGAGCC[G>T]CTGGCACTTTCTTTTCAGGAACAACTTCTTTCGGAGCCTCTGGCACTTAAAAGATATTAG-3'
Protein context (NP_001254479.2, residues 13020-13040): KEVVPEKKVP[Ala13030Glu]APPKKPEVTP

ClinVar aggregate classification (germline): Uncertain significance (1 of 4 stars; one submission).

gnomAD v4.1: 1 of 1,611,642 alleles (0.000062%); highest among the groups gnomAD compares: South Asian, 0.0011%; no homozygotes.

Submission:

ARUP Laboratories, Molecular Genetics and Genomics, ARUP Laboratories
Classification: Uncertain significance. Last evaluated: 2018-07-05. Review status: criteria provided, single submitter. Criteria: ARUP Molecular Germline Variant Investigation Process. Collection method: clinical testing. Allele origin: germline.
Comment: The TTN c.31787C>A; p.Ala10596Glu variant, to our knowledge, is not reported in the medical literature or gene specific databases. It is rare in the general population (not found in the Genome Aggregation Database) and has not been reported in the medical literature in association with dilated cardiomyopathy (DCM) or other TTN-related disease. The Ala at codon 10596 is not conserved. The clinical relevance of rare missense variants in this gene, which are identified on average once per individual sequenced in affected populations (Herman 2012), is not well understood. Yet, evidence suggests that the vast majority of such missense variants do not contribute to the clinical outcome of DCM (Begay 2015). Thus, the clinical significance of the p. Ala10596Glu variant cannot be determined with certainty.